The following is an entry in ClinVar:

NM_001267550.2(TTN):c.66524dup (p.Ser22176fs)

Genes: TTN (titin; minus strand), TTN-AS1 (TTN antisense RNA 1; plus strand). Cytogenetic location: 2q31.2.
Variant type: Duplication.
Coding change: c.66524dup on transcript NM_001267550.2 (MANE Select); coding-DNA position 66524, one base duplicated (T; older notation c.66524dupT).
Protein change: p.Ser22176fs; shifts the reading frame from serine 22176.
Molecular consequence: frameshift variant.
Genome position (GRCh38, 1-based): chr2:178,581,744, A duplicated on the plus strand (T on the coding strand, the reverse complement: TTN is on the minus strand). VCF-style (leftmost placement, unchanged base first): chr2-178581743-T-TA. GRCh37 (hg19) VCF-style: chr2-179446470-T-TA.
Other names: c.61601dup, p.Ser20535fs (NM_001256850.1); c.39329dup, p.Ser13111fs (NM_003319.4); c.58820dup, p.Ser19608fs (NM_133378.4); c.39704dup, p.Ser13236fs (NM_133432.3); c.39905dup, p.Ser13303fs (NM_133437.4); short protein forms S13111fs, S13303fs, S19608fs, S22176fs, S13236fs, S20535fs.
Identifiers: ClinVar variation 2098184 (VCV002098184.4), dbSNP rs2468995730, ClinGen allele CA2580064710.

ClinVar aggregate classification (germline): Likely pathogenic (1 of 4 stars; one submission).

Conditions:
Autosomal recessive limb-girdle muscular dystrophy type 2J (LGMDR10). Also called: Limb-girdle muscular dystrophy, type 2J; MUSCULAR DYSTROPHY, LIMB-GIRDLE, AUTOSOMAL RECESSIVE 10. Identifiers: Orphanet 140922, MedGen C1837342, MONDO:0012127, OMIM 608807.
Dilated cardiomyopathy 1G (CMD1G). Identifiers: Orphanet 154, MedGen C1858763, MONDO:0011400, OMIM 604145.

Submission:

Labcorp Genetics (formerly Invitae), Labcorp
Classification: Likely pathogenic for Dilated cardiomyopathy 1G; Autosomal recessive limb-girdle muscular dystrophy type 2J. Last evaluated: 2022-12-14. Review status: criteria provided, single submitter. Criteria: Invitae Variant Classification Sherloc (09022015). Collection method: clinical testing. Allele origin: germline.
Comment: In summary, the currently available evidence indicates that the variant is pathogenic, but additional data are needed to prove that conclusively. Therefore, this variant has been classified as Likely Pathogenic. This variant is located in the A band of TTN (PMID: 25589632). Truncating variants in this region are significantly overrepresented in patients affected with dilated cardiomyopathy (PMID: 25589632). Truncating variants in this region have also been reported in individuals affected with autosomal recessive centronuclear myopathy (PMID: 23975875). This premature translational stop signal has been observed in individual(s) with dilated cardiomyopathy (PMID: 32969603). This variant is not present in population databases (gnomAD no frequency). This sequence change creates a premature translational stop signal (p.Ser22176Ilefs*8) in the TTN gene. While this is not anticipated to result in nonsense mediated decay, it is expected to create a truncated TTN protein.

Literature cited by the submitters: PubMed 25589632; PubMed 23975875; PubMed 32969603.